The following is an entry in ClinVar:

ClinVar aggregate classification (germline): Uncertain significance (1 of 4 stars; one submission).

Conditions:
Cardiovascular phenotype. Identifiers: MedGen CN230736.

Submission:

Ambry Genetics
Classification: Uncertain significance for Cardiovascular phenotype. Last evaluated: 2023-12-12. Review status: criteria provided, single submitter. Criteria: Ambry Variant Classification Scheme 2023. Collection method: clinical testing. Allele origin: germline.
Comment: The p.P329T variant (also known as c.985C>A), located in coding exon 10 of the CASQ2 gene, results from a C to A substitution at nucleotide position 985. The proline at codon 329 is replaced by threonine, an amino acid with highly similar properties. This amino acid position is conserved. In addition, the in silico prediction for this alteration is inconclusive. Since supporting evidence is limited at this time, the clinical significance of this alteration remains unclear.

NM_001232.4(CASQ2):c.985C>A (p.Pro329Thr)

Gene: CASQ2 (calsequestrin 2; minus strand). Cytogenetic location: 1p13.1.
Variant type: single nucleotide variant.
Coding change: c.985C>A on transcript NM_001232.4 (MANE Select); coding-DNA position 985, C replaced by A.
Protein change: p.Pro329Thr; replaces proline 329 with threonine.
Molecular consequence: missense variant.
Genome position (GRCh38, 1-based): chr1:115,702,950, G>T on the plus strand (C>A on the coding strand, the complement: CASQ2 is on the minus strand). VCF-style: chr1-115702950-G-T. GRCh37 (hg19) VCF-style: chr1-116245571-G-T.
Other names: short protein forms P329T.
Identifiers: ClinVar variation 3221471 (VCV003221471.1), dbSNP rs28730713, ClinGen allele CA341766629.
Genomic context (GRCh38, chr1:115,702,950, plus strand): 5'-GCCTGAGCAAGCCTTCACAGGGGATACTCACATCTGTGACATTCACCACCCCAATCTGTG[G>T]CCTGAATAGGTCAATCTTGAAAGTCTTCTCCCAGTAGGCAACGAGCTGCAGCAACAAAAA-3'
Protein context (NP_001223.2, residues 319-339): EKTFKIDLFR[Pro329Thr]QIGVVNVTDA